The following is an entry in ClinVar:

ClinVar aggregate classification (germline): Uncertain significance. Review status: criteria provided, single submitter (1 of 4 stars). 2 submissions from 1 submitter: Uncertain significance (1). 1 of the submissions does not count toward it.

Conditions:
Afibrinogenemia. Identifiers: Orphanet 200418, MedGen C0001733, MeSH D000347, HP:0034287.
Familial dysfibrinogenemia. Also called: Dysfibrinogenemia, congenital. Identifiers: Orphanet 335, Orphanet 98881, MedGen C0272350, MONDO:0014452, OMIM 616004.

Submissions (2):

ISTH-SSC Genomics in Thrombosis and Hemostasis, KU Leuven, Center for Molecular and Vascular Biology
Classification: Uncertain significance for Familial dysfibrinogenemia. Review status: criteria provided, single submitter. Criteria: ACMG Guidelines, 2015. Collection method: clinical testing. Allele origin: germline. Affected: yes. Observed: 1 heterozygote.
Comment: Submitted to the GoldVariant database by Kathleen Freson, Center for Molecular and Vascular Biology

ISTH-SSC Genomics in Thrombosis and Hemostasis, KU Leuven, Center for Molecular and Vascular Biology
Classification: Likely pathogenic for Afibrinogenemia. Review status: no assertion criteria provided. Collection method: research. Allele origin: unknown. Affected: yes. Not counted in ClinVar's aggregate classification.
Comment: Submitted to GoldVariant by Dr Karyn Mégy from NIHR Bioresource - Cambridge University, UK

NM_021871.4(FGA):c.103C>G (p.Arg35Gly)

Gene: FGA (fibrinogen alpha chain; minus strand). Cytogenetic location: 4q31.3.
Variant type: single nucleotide variant.
Coding change: c.103C>G on transcript NM_021871.4 (MANE Select); coding-DNA position 103, C replaced by G.
Protein change: p.Arg35Gly; replaces arginine 35 with glycine.
Molecular consequence: missense variant.
Genome position (GRCh38, 1-based): chr4:154,589,514, G>C on the plus strand (C>G on the coding strand, the complement: FGA is on the minus strand). VCF-style: chr4-154589514-G-C. GRCh37 (hg19) VCF-style: chr4-155510666-G-C.
Other names: c.103C>G, p.Arg35Gly (NM_000508.5); short protein forms R35G.
Identifiers: ClinVar variation 1684488 (VCV001684488.2), dbSNP rs121909606, ClinGen allele CA358533906.